The following continues an entry in ClinVar:

NM_000540.3(RYR1):c.1840C>T (p.Arg614Cys)

Gene: RYR1. ClinVar aggregate classification (germline): Pathogenic; drug response. Pathogenic (1).

Submissions 12 to 18 of 41:

Color Diagnostics, LLC DBA Color Health
Classification: Pathogenic for Malignant hyperthermia, susceptibility to, 1. Last evaluated: 2025-11-06. Review status: criteria provided, single submitter. Criteria: ACMG Guidelines, 2015. Collection method: clinical testing. Allele origin: germline. Not counted in ClinVar's aggregate classification.
Comment: This missense variant replaces arginine with cysteine at codon 614 of the RYR1 protein. Computational prediction suggests that this variant may have deleterious impact on protein structure and function. Functional studies in HEK293 cells and myotubes have shown cells expressing this variant have increased sensitivity to RYR1 agonists compared to cells expressing wild-type RYR1 (PMID: 9334205, 12732639, 26115329). This variant has been reported in more than 20 individuals and families affected with malignant hyperthermia susceptibility (PMID: 10352931, 11493496, 12411788, 25960145, 23842196, 24433488, 25268394, 25735680, 30236257). It has been shown that this variant segregates with disease in multiple families affected with malignant hyperthermia susceptibility (PMID: 10352931, 11493496, 12411788, 25960145). A different variant affecting the same codon, c.1841G>T (p.Arg614Leu), is considered to be disease-causing (ClinVar variation ID: 133108), suggesting that arginine at this position is important for the protein function. This variant has been described as a common variant associated with malignant hyperthermia in the Western European population (PMID: 11668625, 21455645). This variant has been identified in 30/282862 chromosomes in the general population by the Genome Aggregation Database (gnomAD). Based on the available evidence, this variant is classified as Pathogenic.

Dasa
Classification: Pathogenic. Last evaluated: 2025-10-13. Review status: criteria provided, single submitter. Criteria: DASA Assertion Criteria. Collection method: clinical testing. Allele origin: germline. Not counted in ClinVar's aggregate classification.
Comment: NM_000540.3(RYR1):c.1840C>T (p.Arg614Cys) is a missense variant that results in the substitution of arginine with cysteine. Functional evidence supports a deleterious effect on the gene or gene product (PMID: 1774074; PMID: 8602662; PMID: 21795085; PMID: 23842196; PMID: 7762556). This variant has been recurrently observed in individuals with related phenotype (PMID: 1774074; PMID: 8602662; PMID: 21795085; PMID: 23842196; PMID: 7762556). Segregation evidence has been reported in affected families. The variant is present at low frequency in population datasets. Based on the available data, this variant is classified as pathogenic.

Genetic Services Laboratory, University of Chicago
Classification: Pathogenic. Last evaluated: 2025-09-16. Review status: criteria provided, single submitter. Criteria: ACMG Guidelines, 2015. Collection method: clinical testing. Allele origin: germline. Not counted in ClinVar's aggregate classification.
Comment: The c.1840C>T variant: Results in an amino acid change, p.Arg614Cys. Affects a highly conserved amino acid residue located in a domain of the RYR1 protein that is known to be functional. Appears to be deleterious using several in-silico pathogenicity prediction tools. Is reported in the gnomAD v4 database with a frequency of 0.01% in the Finnish European subpopulation (dbSNP rs118192172). Has been previously described in multiple individuals with RYR1-related disorders (PMID: 1774074, 19648156, 24195946, 23842196, 8602662). This variant has been shown to segregate with RYR1-related disorders in multiple families (PMID: 25960145, 7586638, 11493496). A different pathogenic variant affecting the same amino acid residue (p.Arg614Gly) has been described in several individuals with RYR1-related disorders (PMID: 9389851, 31206373, 30236257) o;Has been demonstrated by functional studies to increase sensitivity to RYR1 agonists (PMID: 26115329). ClinVar contains an entry for this variant (Variation ID: 12964). This variant has been reviewed and rated as pathogenic by the ClinGen expert panel for malignant hyperthermia. Collectively, this evidence indicates that this variant is pathogenic.

Variantyx, Inc.
Classification: Pathogenic for Malignant hyperthermia, susceptibility to, 1. Last evaluated: 2025-03-23. Review status: criteria provided, single submitter. Criteria: Variantyx Assertion Criteria 2022. Collection method: clinical testing. Allele origin: germline. Not counted in ClinVar's aggregate classification.
Comment: This is a nonsynonymous variant in the RYR1 gene (OMIM: 180901). Pathogenic variants in this gene have been associated with autosomal dominant susceptibility to malignant hyperthermia 1. This variant has been reported in several unrelated affected individuals (PMID: 25960145, 7586638) (PS4). This variant has been observed to segregate with disease in many affected individuals from at least four families (PMID: 7586638, 25960145) (PP1_Strong). Functional studies have shown that this variant alters RYR1 protein function (PMID: 9334205, 12732639, 11668625, 26115329) (PS3_Moderate). Alternate amino acid change(s) at this position (p.Arg614Leu) have been previously reported in similarly affected individuals, which suggests that this residue is biologically important (PMID:16917943) (PM5). Multiple computational algorithms predict a deleterious effect for this variant (REVEL score: 0.927) (PP3_Moderate). Other reputable laboratories have reported this variant as pathogenic or likely pathogenic, and this classification has been validated by an expert panel in ClinVar (PP5). This variant has a 0.0088% maximum allele frequency in non-founder control populations. Based on the current evidence, this variant is classified as pathogenic for autosomal dominant susceptibility to malignant hyperthermia 1.

Revvity Omics, Revvity
Classification: Pathogenic. Last evaluated: 2025-02-04. Review status: criteria provided, single submitter. Criteria: ACMG Guidelines, 2015. Collection method: clinical testing. Allele origin: germline. Not counted in ClinVar's aggregate classification.

ARUP Laboratories, Molecular Genetics and Genomics, ARUP Laboratories
Classification: Pathogenic. Last evaluated: 2024-12-18. Review status: criteria provided, single submitter. Criteria: ARUP Molecular Germline Variant Investigation Process 2024. Collection method: clinical testing. Allele origin: germline. Not counted in ClinVar's aggregate classification.
Comment: The RYR1 c.1840C>T; p.Arg614Cys variant (rs118192172) is reported in the literature in numerous individuals and families affected with malignant hyperthermia and has been reported to segregate with disease in multiple kindreds (Girard 2001, Klingler 2014, Miller 2018, Monnier 2005, Monnier 2002, Rueffert 2001). This variant is found in the general population with an overall allele frequency of 0.01% (30/282,862 alleles) in the Genome Aggregation Database (v2.1.1). Computational analyses predict that this variant is deleterious (REVEL: 0.927) and functional analyses suggest the variant protein has increased sensitivity to RYR1 agonists compared to wildtype protein (Girard 2001, Murayama 2015). Based on available information, this variant is considered to be pathogenic. References: Girard T et al. Genotype-phenotype comparison of the Swiss malignant hyperthermia population. Hum Mutat. 2001 Oct;18(4):357-8. PMID: 11668625. Klingler W et al. Functional and genetic characterization of clinical malignant hyperthermia crises: a multi-centre study. Orphanet J Rare Dis. 2014 Jan 16;9:8. PMID: 24433488. Miller DM et al. Genetic epidemiology of malignant hyperthermia in the UK. Br J Anaesth. 2018 Oct;121(4):944-952. PMID: 30236257. Monnier N et al. Correlations between genotype and pharmacological, histological, functional, and clinical phenotypes in malignant hyperthermia susceptibility. Hum Mutat. 2005 Nov;26(5):413-25. PMID: 16163667. Monnier N et al. Presence of two different genetic traits in malignant hyperthermia families: implication for genetic analysis, diagnosis, and incidence of malignant hyperthermia susceptibility. Anesthesiology. 2002 Nov;97(5):1067-74. PMID: 12411788. Murayama T et al. Divergent Activity Profiles of Type 1 Ryanodine Receptor Channels Carrying Malignant Hyperthermia and Central Core Disease Mutations in the Amino-Terminal Region. PLoS One. 2015 Jun 26;10(6):e0130606. PMID: 26115329. Rueffert H et al. Homozygous and heterozygous Arg614Cys mutations (1840C-->T) in the ryanodine receptor gene co-segregate with malignant hyperthermia susceptibility in a German family. Br J Anaesth. 2001 Aug;87(2):240-5. PMID: 11493496.

All of Us Research Program, National Institutes of Health
Classification: Pathogenic for Malignant hyperthermia, susceptibility to, 1. Last evaluated: 2024-09-23. Review status: criteria provided, single submitter. Criteria: ACMG Guidelines, 2015. Collection method: clinical testing. Allele origin: germline. Inheritance: Autosomal dominant inheritance. Observed: 47 variant alleles, 47 heterozygotes. Not counted in ClinVar's aggregate classification.
Comment: This missense variant replaces arginine with cysteine at codon 614 of the RYR1 protein. Computational prediction suggests that this variant may have deleterious impact on protein structure and function (internally defined REVEL score threshold >= 0.7, PMID: 27666373). Functional studies in HEK293 cells and myotubes have shown cells expressing this variant have increased sensitivity to RYR1 agonists compared to cells expressing wild-type RYR1 (PMID: 9334205, 12732639, 26115329). This variant has been reported in more than 20 individuals and families affected with malignant hyperthermia susceptibility (PMID: 10352931, 11493496, 12411788, 25960145, 23842196, 24433488, 25268394, 25735680, 30236257). It has been shown that this variant segregates with disease in multiple families affected with malignant hyperthermia susceptibility (PMID: 10352931, 11493496, 12411788, 25960145). A different variant affecting the same codon, c.1841G>T (p.Arg614Leu), is considered to be disease-causing (ClinVar variation ID: 133108), suggesting that Arg at this position is important for the protein function. This variant has been described as a common variant associated with malignant hyperthermia in the Western European population (PMID: 11668625, 21455645). This variant has been identified in 30/282862 chromosomes in the general population by the Genome Aggregation Database (gnomAD). Based on the available evidence, this variant is classified as Pathogenic.

This study involves interpretation of variants in research participants for the purpose of population health screening. Participant phenotype was not available at the time of variant classification. Additional details can be found in publication PMID: 35346344, PMCID: PMC8962531